The following is an entry in ClinVar:

NM_001277115.2(DNAH11):c.976G>T (p.Glu326Ter)

Gene: DNAH11 (dynein axonemal heavy chain 11; plus strand). Cytogenetic location: 7p15.3.
Variant type: single nucleotide variant.
Coding change: c.976G>T on transcript NM_001277115.2 (MANE Select); coding-DNA position 976, G replaced by T.
Protein change: p.Glu326Ter; replaces glutamic acid 326 with a stop codon.
Molecular consequence: nonsense.
Genome position (GRCh38, 1-based): chr7:21,561,164, G>T. VCF-style: chr7-21561164-G-T. GRCh37 (hg19) VCF-style: chr7-21600782-G-T.
Other names: short protein forms E326*.
Identifiers: ClinVar variation 4730588 (VCV004730588.1).

ClinVar aggregate classification (germline): Pathogenic (1 of 4 stars; one submission).

Conditions:
Primary ciliary dyskinesia. Also called: Ciliary dyskinesia. Identifiers: Orphanet 244, MedGen C0008780, MONDO:0016575, HP:0012265.

Submission:

Labcorp Genetics (formerly Invitae), Labcorp
Classification: Pathogenic for Primary ciliary dyskinesia. Last evaluated: 2025-11-05. Review status: criteria provided, single submitter. Criteria: Invitae Variant Classification Sherloc (09022015). Collection method: clinical testing. Allele origin: germline.
Comment: This sequence change creates a premature translational stop signal (p.Glu326*) in the DNAH11 gene. It is expected to result in an absent or disrupted protein product. Loss-of-function variants in DNAH11 are known to be pathogenic (PMID: 18022865, 20513915, 22184204). This variant is not present in population databases (gnomAD no frequency). This variant has not been reported in the literature in individuals affected with DNAH11-related conditions. For these reasons, this variant has been classified as Pathogenic.

Literature cited by the submitters: PubMed 18022865; PubMed 20513915; PubMed 22184204.